The following is an entry in ClinVar:

ClinVar aggregate classification (germline): Uncertain significance (1 of 4 stars; one submission).

Conditions:
Hereditary cancer-predisposing syndrome. Also called: Hereditary Cancer Syndrome; Tumor predisposition; Hereditary neoplastic syndrome; Neoplastic Syndromes, Hereditary. Identifiers: Orphanet 140162, MedGen C0027672, MeSH D009386, MONDO:0015356.
Cardiovascular phenotype. Identifiers: MedGen CN230736.

Submission:

Ambry Genetics
Classification: Uncertain significance for Cardiovascular phenotype; Hereditary cancer-predisposing syndrome. Last evaluated: 2024-07-03. Review status: criteria provided, single submitter. Criteria: Ambry Variant Classification Scheme 2023. Collection method: clinical testing. Allele origin: germline.
Comment: The p.G1133A variant (also known as c.3398G>C), located in coding exon 26 of the NF1 gene, results from a G to C substitution at nucleotide position 3398. The glycine at codon 1133 is replaced by alanine, an amino acid with similar properties. This amino acid position is conserved. In addition, the in silico prediction for this alteration is inconclusive. Based on the available evidence, the clinical significance of this variant remains unclear.

NM_001042492.3(NF1):c.3398G>C (p.Gly1133Ala)

Gene: NF1 (neurofibromin 1; plus strand). Cytogenetic location: 17q11.2.
Variant type: single nucleotide variant.
Coding change: c.3398G>C on transcript NM_001042492.3 (MANE Select); coding-DNA position 3398, G replaced by C.
Protein change: p.Gly1133Ala; replaces glycine 1133 with alanine.
Molecular consequence: missense variant.
Genome position (GRCh38, 1-based): chr17:31,232,783, G>C. VCF-style: chr17-31232783-G-C. GRCh37 (hg19) VCF-style: chr17-29559801-G-C.
Other names: c.3398G>C, p.Gly1133Ala (NM_000267.4); short protein forms G1133A.
Identifiers: ClinVar variation 3404653 (VCV003404653.1).